The following is an entry in ClinVar:

NM_002907.4(RECQL):c.1763T>A (p.Met588Lys)

Genes: PYROXD1 (pyridine nucleotide-disulphide oxidoreductase domain 1; plus strand), RECQL (RecQ like helicase; minus strand). Cytogenetic location: 12p12.1.
Variant type: single nucleotide variant.
Coding change: c.1763T>A on transcript NM_002907.4 (MANE Select); coding-DNA position 1763, T replaced by A.
Protein change: p.Met588Lys; replaces methionine 588 with lysine.
Molecular consequence: missense variant. On other transcripts: 3 prime UTR variant (3).
Genome position (GRCh38, 1-based): chr12:21,471,003, A>T on the plus strand (T>A on the coding strand, the complement: RECQL is on the minus strand). VCF-style: chr12-21471003-A-T. GRCh37 (hg19) VCF-style: chr12-21623937-A-T.
Other names: c.1763T>A, p.Met588Lys (NM_032941.3); c.*2249A>T (NM_001350912.2, NM_001350913.2, NM_024854.5); short protein forms M588K.
Identifiers: ClinVar variation 1003239 (VCV001003239.13), dbSNP rs371403952, ClinGen allele CA6478657.

ClinVar aggregate classification (germline): Uncertain significance. Review status: criteria provided, multiple submitters, no conflicts (2 of 4 stars). 3 submissions from 3 submitters: Uncertain significance (3). Last evaluated 2025-04-09.

Allele frequency attached by ClinVar (database versions not stated): TOPMed below 0.00001; gnomAD 0.00001; gnomAD exomes 0.00004; ExAC 0.00006; ESP Exome Variant Server 0.00008.
gnomAD v4.1: 23 of 1,569,380 alleles (0.0015%); highest among the groups gnomAD compares: Admixed American, 0.0098%; no homozygotes.

Submissions (3):

Quest Diagnostics Nichols Institute San Juan Capistrano
Classification: Uncertain significance. Last evaluated: 2025-04-09. Review status: criteria provided, single submitter. Criteria: Quest Diagnostics criteria. Collection method: clinical testing. Allele origin: unknown.
Comment: The RECQL c.1763T>A (p.Met588Lys) variant has been observed in a breast cancer case as well as in reportedly unaffected individuals in a large scale breast cancer association study (PMID: 33471991 (2021), see also LOVD). The frequency of this variant in the general population (Genome Aggregation Database) is uninformative in the assessment of its pathogenicity. Analysis of this variant using bioinformatics tools for the prediction of the effect of amino acid changes on protein structure and function yielded conflicting predictions that this variant is deleterious or benign. Based on the available information, we are unable to determine the clinical significance of this variant.

Labcorp Genetics (formerly Invitae), Labcorp
Classification: Uncertain significance. Last evaluated: 2025-02-27. Review status: criteria provided, single submitter. Criteria: Invitae Variant Classification Sherloc (09022015). Collection method: clinical testing. Allele origin: germline.
Comment: This sequence change replaces methionine, which is neutral and non-polar, with lysine, which is basic and polar, at codon 588 of the RECQL protein (p.Met588Lys). This variant is present in population databases (rs371403952, gnomAD 0.02%). This variant has not been reported in the literature in individuals affected with RECQL-related conditions. ClinVar contains an entry for this variant (Variation ID: 1003239). Invitae Evidence Modeling of protein sequence and biophysical properties (such as structural, functional, and spatial information, amino acid conservation, physicochemical variation, residue mobility, and thermodynamic stability) indicates that this missense variant is not expected to disrupt RECQL protein function with a negative predictive value of 80%. In summary, the available evidence is currently insufficient to determine the role of this variant in disease. Therefore, it has been classified as a Variant of Uncertain Significance.

Ambry Genetics
Classification: Uncertain significance. Last evaluated: 2025-02-09. Review status: criteria provided, single submitter. Criteria: Ambry Variant Classification Scheme 2023. Collection method: clinical testing. Allele origin: germline.
Comment: The p.M588K variant (also known as c.1763T>A), located in coding exon 13 of the RECQL gene, results from a T to A substitution at nucleotide position 1763. The methionine at codon 588 is replaced by lysine, an amino acid with similar properties. This amino acid position is well conserved in available vertebrate species. In addition, the in silico prediction for this alteration is inconclusive. The evidence for this gene-disease relationship is limited; therefore, the clinical significance of this alteration is unclear.

Literature cited by the submitters: PubMed 33471991 (cited by Quest Diagnostics Nichols Institute San Juan Capistrano).